The following is an entry in ClinVar:

NM_000535.7(PMS2):c.1613A>C (p.Lys538Thr)

Gene: PMS2 (PMS1 homolog 2, mismatch repair system component; minus strand). Cytogenetic location: 7p22.1.
Variant type: single nucleotide variant.
Coding change: c.1613A>C on transcript NM_000535.7 (MANE Select); coding-DNA position 1613, A replaced by C.
Protein change: p.Lys538Thr; replaces lysine 538 with threonine.
Molecular consequence: missense variant. On other transcripts: non-coding transcript variant (1), intron variant (1).
Genome position (GRCh38, 1-based): chr7:5,987,152, T>G on the plus strand (A>C on the coding strand, the complement: PMS2 is on the minus strand). VCF-style: chr7-5987152-T-G. GRCh37 (hg19) VCF-style: chr7-6026783-T-G.
Other names: c.1208A>C, p.Lys403Thr (NM_001406898.1, NM_001406899.1, NM_001406897.1 and 17 more transcripts); c.1139A>C, p.Lys380Thr (NM_001406901.1, NM_001406902.1); c.1148A>C, p.Lys383Thr (NM_001406900.1); c.1457A>C, p.Lys486Thr (NM_001322006.2, NM_001406870.1); c.1295A>C, p.Lys432Thr (NM_001322007.2, NM_001322008.2, NM_001406876.1 and 2 more transcripts); c.1052A>C, p.Lys351Thr (NM_001322010.2, NM_001406906.1, NM_001406907.1); c.680A>C, p.Lys227Thr (NM_001322011.2, NM_001322012.2); c.1040A>C, p.Lys347Thr (NM_001322013.2, NM_001406909.1); and 13 more; short protein forms K367T, K383T, K416T, K472T, K538T, K546T, K281T, K380T.
Identifiers: ClinVar variation 2566081 (VCV002566081.2), dbSNP rs2128726763, ClinGen allele CA366741479.
Genomic context (GRCh38, chr7:5,987,152, plus strand): 5'-GTATCTTCCTGGTTTGAATGGCAGTCCACATCTGAAAAAGAGTCGTCAGTTTTAGGCGCT[T>G]TCTCCTGAGAGTCCACATGTTCCTGCGAGCCCCTGTCCCCTGGGGAGCTGGCCGCATACT-3'
Protein context (NP_000526.2, residues 528-548): GSQEHVDSQE[Lys538Thr]APKTDDSFSD

ClinVar aggregate classification (germline): Uncertain significance (1 of 4 stars; one submission).

Conditions:
Hereditary cancer-predisposing syndrome. Also called: Neoplastic Syndromes, Hereditary; Hereditary Cancer Syndrome; Hereditary neoplastic syndrome; Tumor predisposition. Identifiers: Orphanet 140162, MedGen C0027672, MeSH D009386, MONDO:0015356.

Submission:

Ambry Genetics
Classification: Uncertain significance for Hereditary cancer-predisposing syndrome. Last evaluated: 2023-05-11. Review status: criteria provided, single submitter. Criteria: Ambry Variant Classification Scheme 2023. Collection method: clinical testing. Allele origin: germline.
Comment: The p.K538T variant (also known as c.1613A>C), located in coding exon 11 of the PMS2 gene, results from an A to C substitution at nucleotide position 1613. The lysine at codon 538 is replaced by threonine, an amino acid with similar properties. This amino acid position is conserved. In addition, this alteration is predicted to be tolerated by in silico analysis. Since supporting evidence is limited at this time, the clinical significance of this alteration remains unclear.